The following is an entry in ClinVar:

NM_004380.3(CREBBP):c.6741_6758dup (p.Gln2252_His2253insGlnGlnArgMetGlnGln)

Gene: CREBBP (CREB binding lysine acetyltransferase; minus strand). Cytogenetic location: 16p13.3.
Variant type: Duplication.
Coding change: c.6741_6758dup on transcript NM_004380.3 (MANE Select); coding-DNA positions 6741 to 6758, 18 bases duplicated (GCAGCGCATGCAGCAGCA).
Protein change: p.Gln2252_His2253insGlnGlnArgMetGlnGln.
Molecular consequence: inframe insertion.
Genome position (GRCh38, 1-based): chr16:3,728,289-3,728,306, TGCTGCTGCATGCGCTGC duplicated on the plus strand (GCAGCGCATGCAGCAGCA on the coding strand, the reverse complement: CREBBP is on the minus strand); duplicating any 18 consecutive bases within chr16:3,728,289-3,728,318 gives the same sequence; the c. name uses the placement nearest the transcript's 3' end. VCF-style (leftmost placement, unchanged base first): chr16-3728288-A-ATGCTGCTGCATGCGCTGC. GRCh37 (hg19) VCF-style: chr16-3778289-A-ATGCTGCTGCATGCGCTGC.
Other names: c.6627_6644dup, p.Gln2214_His2215insGlnGlnArgMetGlnGln (NM_001079846.1); c.6741_6758dup18 (NM_004380.2).
Identifiers: ClinVar variation 3340579 (VCV003340579.3).

ClinVar aggregate classification (germline): Uncertain significance. Review status: criteria provided, multiple submitters, no conflicts (2 of 4 stars). 3 submissions from 3 submitters: Uncertain significance (2). 1 of the submissions does not count toward it. Last evaluated 2025-12-16.

Conditions:
Rubinstein-Taybi syndrome (RSTS). Identifiers: Orphanet 783, MedGen C0035934, MONDO:0019188.
CREBBP-related disorder. Also called: CREBBP-related condition; CREBBP-related disorders.

Submissions (3):

Labcorp Genetics (formerly Invitae), Labcorp
Classification: Uncertain significance for Rubinstein-Taybi syndrome. Last evaluated: 2025-12-16. Review status: criteria provided, single submitter. Criteria: Invitae Variant Classification Sherloc (09022015). Collection method: clinical testing. Allele origin: germline.
Comment: This variant, c.6741_6758dup, results in the insertion of 6 amino acid(s) of the CREBBP protein (p.Gln2247_Gln2252dup), but otherwise preserves the integrity of the reading frame. This variant is present in population databases (rs767903262, gnomAD 0.003%). This variant has not been reported in the literature in individuals affected with CREBBP-related conditions. ClinVar contains an entry for this variant (Variation ID: 3340579). In summary, the available evidence is currently insufficient to determine the role of this variant in disease. Therefore, it has been classified as a Variant of Uncertain Significance.

GeneDx
Classification: Uncertain significance. Last evaluated: 2024-01-13. Review status: criteria provided, single submitter. Criteria: GeneDx Variant Classification Process June 2021. Collection method: clinical testing. Allele origin: germline. Affected: yes.
Comment: In-frame insertion of six amino acids in a non-repeat region; Located in a region that tolerates variation and lacks pathogenic variants; Has not been previously published as pathogenic or benign to our knowledge

PreventionGenetics, part of Exact Sciences
Classification: Uncertain significance for CREBBP-related condition. Last evaluated: 2023-12-05. Review status: no assertion criteria provided. Collection method: clinical testing. Allele origin: germline. Not counted in ClinVar's aggregate classification.
Comment: The CREBBP c.6741_6758dup18 variant is predicted to result in an in-frame duplication (p.Gln2247_Gln2252dup). To our knowledge, this variant has not been reported in the literature. This variant is reported in 0.0033% of alleles in individuals of South Asian descent in gnomAD. At this time, the clinical significance of this variant is uncertain due to the absence of conclusive functional and genetic evidence.